The following is an entry in ClinVar:

ClinVar aggregate classification (germline): Likely pathogenic (1 of 4 stars; one submission).

Conditions:
Renal carnitine transport defect (CDSP). Also called: Systemic primary carnitine deficiency disease; CARNITINE DEFICIENCY, SYSTEMIC, DUE TO DEFECT IN RENAL REABSORPTION OF CARNITINE; CARNITINE TRANSPORTER, PLASMA-MEMBRANE, DEFICIENCY OF; CARNITINE UPTAKE DEFECT; Carnitine transporter deficiency; Carnitine Deficiency, Systemic. Identifiers: Orphanet 158, MedGen C0342788, MONDO:0008919, OMIM 212140.

gnomAD v4.1: 1 of 1,614,202 alleles (0.000062%); no homozygotes.

Submission:

Centre for Inherited Metabolic Diseases, Karolinska University Hospital
Classification: Likely pathogenic for Renal carnitine transport defect. Last evaluated: 2025-08-06. Review status: criteria provided, single submitter. Criteria: ACMG Guidelines, 2015. Collection method: clinical testing. Allele origin: unknown. Inheritance: Autosomal recessive inheritance. Affected: yes.
Comment: Used criteria: PM2, PP1-supporting + PP4-strong according to Biesecker et al. 2023.

NM_003060.4(SLC22A5):c.559C>A (p.Gln187Lys)

Gene: SLC22A5 (solute carrier family 22 member 5; plus strand). Cytogenetic location: 5q31.1.
Variant type: single nucleotide variant.
Coding change: c.559C>A on transcript NM_003060.4 (MANE Select); coding-DNA position 559, C replaced by A.
Protein change: p.Gln187Lys; replaces glutamine 187 with lysine.
Molecular consequence: missense variant.
Genome position (GRCh38, 1-based): chr5:132,384,208, C>A. VCF-style: chr5-132384208-C-A. GRCh37 (hg19) VCF-style: chr5-131719900-C-A.
Other names: c.631C>A, p.Gln211Lys (NM_001308122.2); short protein forms Q187K, Q211K.
Identifiers: ClinVar variation 4075840 (VCV004075840.1).